The following is an entry in ClinVar:

ClinVar aggregate classification (germline): Uncertain significance (1 of 4 stars; one submission).

gnomAD v4.1: 9 of 1,613,520 alleles (0.00056%); highest among the groups gnomAD compares: Non-Finnish European, 0.00076%; no homozygotes.

Submission:

Labcorp Genetics (formerly Invitae), Labcorp
Classification: Uncertain significance. Last evaluated: 2025-02-13. Review status: criteria provided, single submitter. Criteria: Invitae Variant Classification Sherloc (09022015). Collection method: clinical testing. Allele origin: germline.
Comment: This sequence change falls in intron 45 of the COL2A1 gene. It does not directly change the encoded amino acid sequence of the COL2A1 protein. It affects a nucleotide within the consensus splice site. This variant is present in population databases (no rsID available, gnomAD 0.002%). This variant has not been reported in the literature in individuals affected with COL2A1-related conditions. Variants that disrupt the consensus splice site are a relatively common cause of aberrant splicing (PMID: 17576681, 9536098). Algorithms developed to predict the effect of sequence changes on RNA splicing suggest that this variant is not likely to affect RNA splicing. In summary, the available evidence is currently insufficient to determine the role of this variant in disease. Therefore, it has been classified as a Variant of Uncertain Significance.

Literature cited by the submitters: PubMed 17576681; PubMed 9536098.

NM_001844.5(COL2A1):c.3165+4A>G

Gene: COL2A1 (collagen type II alpha 1 chain; minus strand). Cytogenetic location: 12q13.11.
Variant type: single nucleotide variant.
Coding change: c.3165+4A>G on transcript NM_001844.5 (MANE Select); 4 bases into the intron after coding-DNA position 3165, A replaced by G.
Molecular consequence: intron variant.
Genome position (GRCh38, 1-based): chr12:47,977,596, T>C on the plus strand (A>G on the coding strand, the complement: COL2A1 is on the minus strand). VCF-style: chr12-47977596-T-C. GRCh37 (hg19) VCF-style: chr12-48371379-T-C.
Other names: c.2958+4A>G (NM_033150.3).
Identifiers: ClinVar variation 4706943 (VCV004706943.1).